The following is an entry in ClinVar:

NM_001267550.2(TTN):c.30683-21_30683-19del

Gene: TTN (titin; minus strand). Cytogenetic location: 2q31.2.
Variant type: Deletion.
Coding change: c.30683-21_30683-19del on transcript NM_001267550.2 (MANE Select); 21 bases into the intron before coding-DNA position 30683 through 19 bases into the intron before coding-DNA position 30683, 3 bases deleted (TTT; older notation c.30683-21_30683-19delTTT).
Molecular consequence: intron variant.
Genome position (GRCh38, 1-based): chr2:178,698,933-178,698,935, AAA deleted on the plus strand (TTT on the coding strand, the reverse complement: TTN is on the minus strand); deleting any 3 consecutive bases within chr2:178,698,933-178,698,941 gives the same sequence; the c. name uses the placement nearest the transcript's 3' end. VCF-style (leftmost placement, unchanged base first): chr2-178698932-GAAA-G. GRCh37 (hg19) VCF-style: chr2-179563659-GAAA-G.
Other names: c.13282+39147_13282+39149del (NM_003319.4); c.13858+39147_13858+39149del (NM_133437.4); c.13657+39147_13657+39149del (NM_133432.3); c.26951-21_26951-19del (NM_133378.4); c.29732-21_29732-19del (NM_001256850.1); c.26951-21_26951-19delTTT (NM_133378.4).
Identifiers: ClinVar variation 997873 (VCV000997873.11), dbSNP rs752002029, ClinGen allele CA1999064.
Genomic context (GRCh38, chr2:178,698,932, plus strand): 5'-GCAACAACTTTTTTGGCATCTTTCTTCACAGCCTTTTTGGTAACTAAAAAAAAAAAAAAA[GAAA>G]AAAAAAGAAAAAATATTTCTGGTGTAAGTAACTAAAATGCTTTCAGGAAACTAGGAATTT-3'

ClinVar aggregate classification (germline): Benign/Likely benign. Review status: criteria provided, multiple submitters, no conflicts (2 of 4 stars). 8 submissions from 5 submitters: Benign (5); Likely benign (3). Last evaluated 2025-09-08.

Conditions:
Autosomal recessive limb-girdle muscular dystrophy type 2J (LGMDR10). Also called: MUSCULAR DYSTROPHY, LIMB-GIRDLE, AUTOSOMAL RECESSIVE 10; Limb-girdle muscular dystrophy, type 2J. Identifiers: Orphanet 140922, MedGen C1837342, MONDO:0012127, OMIM 608807.
Dilated cardiomyopathy 1G (CMD1G). Identifiers: Orphanet 154, MedGen C1858763, MONDO:0011400, OMIM 604145.
Myopathy, myofibrillar, 9, with early respiratory failure (MFM9). Also called: EDSTROM MYOPATHY; MYOPATHY, PROXIMAL, WITH EARLY RESPIRATORY MUSCLE INVOLVEMENT; Myopathy, distal, with early respiratory failure, autosomal dominant; Hereditary myopathy with early respiratory failure. Identifiers: Orphanet 178464, Orphanet 34521, MedGen C1863599, MONDO:0011362, OMIM 603689.
Early-onset myopathy with fatal cardiomyopathy (CMYO5). Also called: Salih Myopathy; CONGENITAL MYOPATHY 5 WITH CARDIOMYOPATHY. Identifiers: Orphanet 289377, MedGen C2673677, MONDO:0012714, OMIM 611705. Disease mechanism: loss of function.
Tibial muscular dystrophy (TMD). Also called: Tibial muscular dystrophy, tardive; UDD MYOPATHY; Udd Distal Myopathy – Tibial Muscular Dystrophy. Identifiers: Orphanet 609, MedGen C1838244, MONDO:0010870, OMIM 600334.

Submissions (8):

Labcorp Genetics (formerly Invitae), Labcorp
Classification: Likely benign for Dilated cardiomyopathy 1G; Autosomal recessive limb-girdle muscular dystrophy type 2J. Last evaluated: 2025-09-08. Review status: criteria provided, single submitter. Criteria: Invitae Variant Classification Sherloc (09022015). Collection method: clinical testing. Allele origin: germline.

Blueprint Genetics
Classification: Likely benign. Last evaluated: 2024-06-19. Review status: criteria provided, single submitter. Criteria: ACMG Guidelines, 2015. Collection method: clinical testing. Allele origin: germline.

Genome-Nilou Lab
Classification: Benign for Autosomal recessive limb-girdle muscular dystrophy type 2J. Last evaluated: 2021-09-10. Review status: criteria provided, single submitter. Criteria: ACMG Guidelines, 2015. Collection method: clinical testing. Allele origin: germline. Affected: no.

Genome-Nilou Lab
Classification: Benign for Myopathy, myofibrillar, 9, with early respiratory failure. Last evaluated: 2021-09-10. Review status: criteria provided, single submitter. Criteria: ACMG Guidelines, 2015. Collection method: clinical testing. Allele origin: germline. Affected: no.

Genome-Nilou Lab
Classification: Benign for Early-onset myopathy with fatal cardiomyopathy. Last evaluated: 2021-09-10. Review status: criteria provided, single submitter. Criteria: ACMG Guidelines, 2015. Collection method: clinical testing. Allele origin: germline. Affected: no.

Genome-Nilou Lab
Classification: Benign for Tibial muscular dystrophy. Last evaluated: 2021-09-10. Review status: criteria provided, single submitter. Criteria: ACMG Guidelines, 2015. Collection method: clinical testing. Allele origin: germline. Affected: no.

Women's Health and Genetics/Laboratory Corporation of America, LabCorp
Classification: Benign. Last evaluated: 2021-02-08. Review status: criteria provided, single submitter. Criteria: LabCorp Variant Classification Summary - May 2015. Collection method: clinical testing. Allele origin: germline.
Comment: Variant summary: TTN c.26951-21_26951-19delTTT alters a nucleotide located close to a canonical splice site and therefore could affect mRNA splicing, leading to a significantly altered protein sequence. 4/4 computational tools predict no significant impact on normal splicing. However, these predictions have yet to be confirmed by functional studies. The variant allele was found at a frequency of 0.00089 in 42862 control chromosomes, predominantly at a frequency of 0.014 within the East Asian subpopulation in the gnomAD database. The observed variant frequency within East Asian control individuals in the gnomAD database is approximately 36 fold of the estimated maximal expected allele frequency for a pathogenic variant in TTN causing Dilated Cardiomyopathy phenotype (0.00039), strongly suggesting that the variant is a benign polymorphism found primarily in populations of East Asian origin. To our knowledge, no occurrence of c.26951-21_26951-19delTTT in individuals affected with Dilated Cardiomyopathy and no experimental evidence demonstrating its impact on protein function have been reported. No clinical diagnostic laboratories have submitted clinical-significance assessments for this variant to ClinVar after 2014. Based on the evidence outlined above, the variant was classified as benign.

GeneDx
Classification: Likely benign. Last evaluated: 2019-11-13. Review status: criteria provided, single submitter. Criteria: GeneDx Variant Classification Process June 2021. Collection method: clinical testing. Allele origin: germline. Affected: yes.